The following is an entry in ClinVar:

ClinVar aggregate classification (germline): Uncertain significance (1 of 4 stars; one submission).

Conditions:
Immunodeficiency 14 (IMD14A). Also called: p110-DELTA-ACTIVATING MUTATION CAUSING SENESCENT T CELLS, LYMPHADENOPATHY, AND IMMUNODEFICIENCY; ACTIVATED PI3K-DELTA SYNDROME 1; Activated PI3K Delta Syndrome Type 1 (APDS1); IMMUNODEFICIENCY 14A WITH LYMPHOPROLIFERATION, AUTOSOMAL DOMINANT. Identifiers: Orphanet 397596, Orphanet 693661, MedGen C5907821, MONDO:0014222, OMIM 615513.

Submission:

Labcorp Genetics (formerly Invitae), Labcorp
Classification: Uncertain significance for Activated PI3K-delta syndrome. Last evaluated: 2025-08-01. Review status: criteria provided, single submitter. Criteria: Invitae Variant Classification Sherloc (09022015). Collection method: clinical testing. Allele origin: germline.
Comment: This sequence change falls in intron 13 of the PIK3CD gene. It does not directly change the encoded amino acid sequence of the PIK3CD protein. This variant is not present in population databases (gnomAD no frequency). This variant has not been reported in the literature in individuals affected with PIK3CD-related conditions. Algorithms developed to predict the effect of sequence changes on RNA splicing suggest that this variant may create or strengthen a splice site. In summary, the available evidence is currently insufficient to determine the role of this variant in disease. Therefore, it has been classified as a Variant of Uncertain Significance.

NM_005026.5(PIK3CD):c.1690-5C>A

Gene: PIK3CD (phosphatidylinositol-4,5-bisphosphate 3-kinase catalytic subunit delta; plus strand). Cytogenetic location: 1p36.22.
Variant type: single nucleotide variant.
Coding change: c.1690-5C>A on transcript NM_005026.5 (MANE Select); 5 bases into the intron before coding-DNA position 1690, C replaced by A.
Molecular consequence: intron variant.
Genome position (GRCh38, 1-based): chr1:9,721,122, C>A. VCF-style: chr1-9721122-C-A. GRCh37 (hg19) VCF-style: chr1-9781180-C-A.
Other names: c.1690-5C>A (NM_001437547.1, NM_001437546.1, NM_001438338.1); c.1687-5C>A (NM_001439206.1, NM_001350234.2); c.1603-5C>A (NM_001350235.1).
Identifiers: ClinVar variation 4704452 (VCV004704452.1).